The following is an entry in ClinVar:

ClinVar aggregate classification (germline): Uncertain significance. Review status: criteria provided, multiple submitters, no conflicts (2 of 4 stars). 3 submissions from 3 submitters: Uncertain significance (3). Last evaluated 2026-06-07.

Conditions:
Polycystic kidney disease 4 (PKD4). Also called: POLYCYSTIC KIDNEY AND HEPATIC DISEASE 1; POLYCYSTIC KIDNEY DISEASE, INFANTILE, TYPE I; Autosomal Recessive Polycystic Kidney Disease – PKHD1; POLYCYSTIC KIDNEY DISEASE 4 WITH OR WITHOUT POLYCYSTIC LIVER DISEASE; PKD3. Identifiers: MedGen C4540575, MONDO:0033004, OMIM 263200.
Inborn genetic diseases. Identifiers: MedGen C0950123, MeSH D030342.
PKHD1-related disorder. Also called: PKHD1-related condition.

gnomAD v4.1: 17 of 1,613,676 alleles (0.0011%); highest among the groups gnomAD compares: Non-Finnish European, 0.0014%; no homozygotes.

Submissions (3):

PreventionGenetics, part of Exact Sciences
Classification: Uncertain significance for PKHD1-related condition. Last evaluated: 2026-06-07. Review status: criteria provided, single submitter. Criteria: ACMG Guidelines, 2015. Collection method: clinical testing. Allele origin: germline.
Comment: The PKHD1 c.10940A>G variant is predicted to result in the amino acid substitution p.His3647Arg. To our knowledge, this variant has not been reported in the literature. This variant is reported in 0.00088% of alleles in individuals of European (Non-Finnish) descent in gnomAD. At this time, the clinical significance of this variant is uncertain due to the absence of conclusive functional and genetic evidence.

Fulgent Genetics
Classification: Uncertain significance for Polycystic kidney disease 4. Last evaluated: 2024-02-04. Review status: criteria provided, single submitter. Criteria: ACMG Guidelines, 2015. Collection method: clinical testing. Allele origin: germline.

Ambry Genetics
Classification: Uncertain significance for Inborn genetic diseases. Last evaluated: 2021-09-15. Review status: criteria provided, single submitter. Criteria: Ambry Variant Classification Scheme 2023. Collection method: clinical testing. Allele origin: germline.

NM_138694.4(PKHD1):c.10940A>G (p.His3647Arg)

Gene: PKHD1 (PKHD1 ciliary IPT domain containing fibrocystin/polyductin; minus strand). Cytogenetic location: 6p12.3.
Variant type: single nucleotide variant.
Coding change: c.10940A>G on transcript NM_138694.4 (MANE Select); coding-DNA position 10940, A replaced by G.
Protein change: p.His3647Arg; replaces histidine 3647 with arginine.
Molecular consequence: missense variant.
Genome position (GRCh38, 1-based): chr6:51,659,186, T>C on the plus strand (A>G on the coding strand, the complement: PKHD1 is on the minus strand). VCF-style: chr6-51659186-T-C. GRCh37 (hg19) VCF-style: chr6-51523984-T-C.
Other names: short protein forms H3647R.
Identifiers: ClinVar variation 2249509 (VCV002249509.4), dbSNP rs139442289, ClinGen allele CA364431083.